The following is an entry in ClinVar:

ClinVar aggregate classification (germline): Uncertain significance (1 of 4 stars; one submission).

Conditions:
Fanconi anemia (FA). Also called: Fanconi's anemia. Identifiers: Orphanet 84, MedGen C0015625, MeSH D005199, MONDO:0019391.

Allele frequency attached by ClinVar (database versions not stated): gnomAD exomes below 0.00001.

Submission:

Labcorp Genetics (formerly Invitae), Labcorp
Classification: Uncertain significance for Fanconi anemia. Last evaluated: 2022-07-05. Review status: criteria provided, single submitter. Criteria: Invitae Variant Classification Sherloc (09022015). Collection method: clinical testing. Allele origin: germline.
Comment: This sequence change falls in intron 8 of the SLX4 gene. It does not directly change the encoded amino acid sequence of the SLX4 protein. It affects a nucleotide within the consensus splice site. This variant is not present in population databases (gnomAD no frequency). This variant has not been reported in the literature in individuals affected with SLX4-related conditions. ClinVar contains an entry for this variant (Variation ID: 1443957). Variants that disrupt the consensus splice site are a relatively common cause of aberrant splicing (PMID: 17576681, 9536098). Algorithms developed to predict the effect of sequence changes on RNA splicing suggest that this variant is not likely to affect RNA splicing. In summary, the available evidence is currently insufficient to determine the role of this variant in disease. Therefore, it has been classified as a Variant of Uncertain Significance.

Literature cited by the submitters: PubMed 17576681; PubMed 9536098.

NM_032444.4(SLX4):c.1925-3C>T

Gene: SLX4 (SLX4 structure-specific endonuclease subunit; minus strand). Cytogenetic location: 16p13.3.
Variant type: single nucleotide variant.
Coding change: c.1925-3C>T on transcript NM_032444.4 (MANE Select); 3 bases into the intron before coding-DNA position 1925, C replaced by T.
Molecular consequence: intron variant.
Genome position (GRCh38, 1-based): chr16:3,595,696, G>A on the plus strand (C>T on the coding strand, the complement: SLX4 is on the minus strand). VCF-style: chr16-3595696-G-A. GRCh37 (hg19) VCF-style: chr16-3645697-G-A.
Identifiers: ClinVar variation 1443957 (VCV001443957.6), dbSNP rs1567172965, ClinGen allele CA2202849178.